The following is an entry in ClinVar:

ClinVar aggregate classification (germline): Uncertain significance (1 of 4 stars; one submission).

Conditions:
Developmental and epileptic encephalopathy, 12 (DEE12). Identifiers: MedGen C3150988, MONDO:0013389, OMIM 613722.

Allele frequency attached by ClinVar (database versions not stated): gnomAD exomes below 0.00001.
gnomAD v4.1: 6 of 1,611,222 alleles (0.00037%); highest among the groups gnomAD compares: Non-Finnish European, 0.00042%; no homozygotes.

Submission:

Labcorp Genetics (formerly Invitae), Labcorp
Classification: Uncertain significance for Developmental and epileptic encephalopathy, 12. Last evaluated: 2020-10-25. Review status: criteria provided, single submitter. Criteria: Invitae Variant Classification Sherloc (09022015). Collection method: clinical testing. Allele origin: germline.
Comment: In summary, the available evidence is currently insufficient to determine the role of this variant in disease. Therefore, it has been classified as a Variant of Uncertain Significance. Algorithms developed to predict the effect of missense changes on protein structure and function are either unavailable or do not agree on the potential impact of this missense change (SIFT: "Deleterious"; PolyPhen-2: "Possibly Damaging"; Align-GVGD: "Class C0"). This variant has not been reported in the literature in individuals with PNKP-related conditions. This variant is not present in population databases (ExAC no frequency). This sequence change replaces serine with phenylalanine at codon 470 of the PNKP protein (p.Ser470Phe). The serine residue is moderately conserved and there is a large physicochemical difference between serine and phenylalanine.

NM_007254.4(PNKP):c.1409C>T (p.Ser470Phe)

Gene: PNKP (polynucleotide kinase 3'-phosphatase; minus strand). Cytogenetic location: 19q13.33.
Variant type: single nucleotide variant.
Coding change: c.1409C>T on transcript NM_007254.4 (MANE Select); coding-DNA position 1409, C replaced by T.
Protein change: p.Ser470Phe; replaces serine 470 with phenylalanine.
Molecular consequence: missense variant.
Genome position (GRCh38, 1-based): chr19:49,861,488, G>A on the plus strand (C>T on the coding strand, the complement: PNKP is on the minus strand). VCF-style: chr19-49861488-G-A. GRCh37 (hg19) VCF-style: chr19-50364745-G-A.
Other names: short protein forms S470F.
Identifiers: ClinVar variation 1044449 (VCV001044449.9), dbSNP rs1231560062, ClinGen allele CA406932833.